The following is an entry in ClinVar:

ClinVar aggregate classification (germline): Benign (1 of 4 stars; one submission).

Allele frequency attached by ClinVar (database versions not stated): gnomAD 0.10191; TOPMed 0.11586; 1000 Genomes Project 30x 0.16974; 1000 Genomes Project 0.17352.
gnomAD v4.1: 16,881 of 151,508 alleles (11%); highest among the groups gnomAD compares: East Asian, 30%; 1,042 homozygotes.

Submission:

GeneDx
Classification: Benign. Last evaluated: 2018-06-19. Review status: criteria provided, single submitter. Criteria: GeneDx Variant Classification (06012015). Collection method: clinical testing. Allele origin: germline. Affected: yes.
Comment: This variant is considered likely benign or benign based on one or more of the following criteria: it is a conservative change, it occurs at a poorly conserved position in the protein, it is predicted to be benign by multiple in silico algorithms, and/or has population frequency not consistent with disease.

NM_001365088.1(SLC12A6):c.3043-188C>A

Gene: SLC12A6 (solute carrier family 12 member 6; minus strand). Cytogenetic location: 15q14.
Variant type: single nucleotide variant.
Coding change: c.3043-188C>A on transcript NM_001365088.1 (MANE Select); 188 bases into the intron before coding-DNA position 3043, C replaced by A.
Molecular consequence: intron variant.
Genome position (GRCh38, 1-based): chr15:34,236,387, G>T on the plus strand (C>A on the coding strand, the complement: SLC12A6 is on the minus strand). VCF-style: chr15-34236387-G-T. GRCh37 (hg19) VCF-style: chr15-34528588-G-T.
Other names: c.2998-188C>A (NM_001042497.2); c.3043-188C>A (NM_133647.2); c.2890-188C>A (NM_005135.2); c.2866-188C>A (NM_001042495.2, NM_001042494.2); c.3016-188C>A (NM_001042496.2).
Identifiers: ClinVar variation 670098 (VCV000670098.1), dbSNP rs73388027, ClinGen allele CA14176863.
Genomic context (GRCh38, chr15:34,236,387, plus strand): 5'-GAAAACAATATAGTATCATCCCTTTTTTTTTTGGTTTGAGACAGAGTCTTCCTCTGTCAC[G>T]CAGGCTGGAGTGCAGTGGCGTGATCTTGGCTCACTGCAACCTCCGCCTCCTGGGTTTAAG-3'